The following is an entry in ClinVar:

ClinVar aggregate classification (germline): Pathogenic/Likely pathogenic. Review status: criteria provided, multiple submitters, no conflicts (2 of 4 stars). 2 submissions from 2 submitters: Pathogenic (1); Likely pathogenic (1). Last evaluated 2025-02-06.

Conditions:
Neurofibromatosis, type 1 (NF1). Also called: Peripheral type neurofibromatosis; VON RECKLINGHAUSEN DISEASE; NEUROFIBROMATOSIS, TYPE I, SOMATIC; Neurofibromatosis, type I. Identifiers: Orphanet 636, MedGen C0027831, MONDO:0018975, OMIM 162200. Disease mechanism: loss of function.

Submissions (2):

Labcorp Genetics (formerly Invitae), Labcorp
Classification: Pathogenic for Neurofibromatosis, type 1. Last evaluated: 2025-02-06. Review status: criteria provided, single submitter. Criteria: Invitae Variant Classification Sherloc (09022015). Collection method: clinical testing. Allele origin: germline.
Comment: This sequence change falls in intron 33 of the NF1 gene. It does not directly change the encoded amino acid sequence of the NF1 protein. RNA analysis indicates that this variant induces altered splicing and may result in an absent or altered protein product. This variant is not present in population databases (gnomAD no frequency). This variant has been observed in individual(s) with neurofibromatosis type 1 (PMID: 27322474). Studies have shown that this variant results in activation of cryptic splice site, and produces a non-functional protein and/or introduces a premature termination codon (internal data). For these reasons, this variant has been classified as Pathogenic.

Department of Pathology and Laboratory Medicine, Sinai Health System
Classification: Likely pathogenic for neurofibromatosis type 1. Review status: criteria provided, single submitter. Criteria: ACMG Guidelines, 2015. Collection method: clinical testing. Allele origin: germline.

Literature cited by the submitters: PubMed 27322474 (cited by Labcorp Genetics (formerly Invitae), Labcorp).

NM_001042492.3(NF1):c.4578-14T>G

Gene: NF1 (neurofibromin 1; plus strand). Cytogenetic location: 17q11.2.
Variant type: single nucleotide variant.
Coding change: c.4578-14T>G on transcript NM_001042492.3 (MANE Select); 14 bases into the intron before coding-DNA position 4578, T replaced by G.
Molecular consequence: intron variant.
Genome position (GRCh38, 1-based): chr17:31,261,697, T>G. VCF-style: chr17-31261697-T-G. GRCh37 (hg19) VCF-style: chr17-29588715-T-G.
Other names: c.4515-14T>G (NM_000267.4).
Identifiers: ClinVar variation 3780020 (VCV003780020.2).